The following is an entry in ClinVar:

ClinVar aggregate classification (germline): Pathogenic (1 of 4 stars; one submission).

Submission:

CeGaT Center for Human Genetics Tuebingen
Classification: Pathogenic. Last evaluated: 2023-10-01. Review status: criteria provided, single submitter. Criteria: CeGaT Center For Human Genetics Tuebingen Variant Classification Criteria Version 2. Collection method: clinical testing. Allele origin: germline. Affected: yes. Observed: 1 variant allele.
Comment: CFTR: PVS1, PM2

NM_000492.4(CFTR):c.1941T>A (p.Cys647Ter)

Gene: CFTR (CF transmembrane conductance regulator; plus strand). Cytogenetic location: 7q31.2.
Variant type: single nucleotide variant.
Coding change: c.1941T>A on transcript NM_000492.4 (MANE Select); coding-DNA position 1941, T replaced by A.
Protein change: p.Cys647Ter; replaces cysteine 647 with a stop codon.
Molecular consequence: nonsense.
Genome position (GRCh38, 1-based): chr7:117,592,108, T>A. VCF-style: chr7-117592108-T-A. GRCh37 (hg19) VCF-style: chr7-117232162-T-A.
Other names: short protein forms C647*.
Identifiers: ClinVar variation 2657960 (VCV002657960.24), dbSNP rs2485109525, ClinGen allele CA368978914.
Genomic context (GRCh38, chr7:117,592,108, plus strand): 5'-TGGGACATTTTCAGAACTCCAAAATCTACAGCCAGACTTTAGCTCAAAACTCATGGGATG[T>A]GATTCTTTCGACCAATTTAGTGCAGAAAGAAGAAATTCAATCCTAACTGAGACCTTACAC-3'